The following is an entry in ClinVar:

NM_032776.3(JMJD1C):c.732_733insCTA (p.Asp244_Asp245insLeu)

Gene: JMJD1C (jumonji domain containing 1C; minus strand). Cytogenetic location: 10q21.3.
Variant type: Insertion.
Coding change: c.732_733insCTA on transcript NM_032776.3 (MANE Select); coding-DNA positions 732 to 733, CTA inserted.
Protein change: p.Asp244_Asp245insLeu.
Molecular consequence: inframe insertion. On other transcripts: 5 prime UTR variant (1), non-coding transcript variant (1).
Genome position: GRCh38 VCF-style: chr10-63215642-C-CTAG. GRCh37 (hg19) VCF-style: chr10-64975402-C-CTAG.
Other names: c.186_187insCTA, p.Asp62_Asp63insLeu (NM_001282948.2, NM_001318154.2); c.-137_-136insCTA (NM_001318153.2); c.618_619insCTA, p.Asp206_Asp207insLeu (NM_001322252.2); c.75_76insCTA, p.Asp25_Asp26insLeu (NM_001322254.2, NM_001322258.2).
Identifiers: ClinVar variation 2840023 (VCV002840023.3), dbSNP rs2492802732, ClinGen allele CA2739275704.

ClinVar aggregate classification (germline): Uncertain significance (1 of 4 stars; one submission).

Conditions:
Early Myoclonic Encephalopathy. Identifiers: MedGen C0270855.

Submission:

Labcorp Genetics (formerly Invitae), Labcorp
Classification: Uncertain significance for Early Myoclonic Encephalopathy. Last evaluated: 2023-02-22. Review status: criteria provided, single submitter. Criteria: Invitae Variant Classification Sherloc (09022015). Collection method: clinical testing. Allele origin: germline.
Comment: In summary, the available evidence is currently insufficient to determine the role of this variant in disease. Therefore, it has been classified as a Variant of Uncertain Significance. This variant has not been reported in the literature in individuals affected with JMJD1C-related conditions. This variant is not present in population databases (gnomAD no frequency). This variant, c.732_733insCTA, results in the insertion of 1 amino acid(s) of the JMJD1C protein (p.Asp244_Asp245insLeu), but otherwise preserves the integrity of the reading frame.